The following is an entry in ClinVar:

ClinVar aggregate classification (germline): Uncertain significance (1 of 4 stars; one submission).

Conditions:
Hereditary cancer-predisposing syndrome. Also called: Neoplastic Syndromes, Hereditary; Tumor predisposition; Hereditary Cancer Syndrome; Hereditary neoplastic syndrome. Identifiers: Orphanet 140162, MedGen C0027672, MeSH D009386, MONDO:0015356.

Submission:

Ambry Genetics
Classification: Uncertain significance for Hereditary cancer-predisposing syndrome. Last evaluated: 2024-10-15. Review status: criteria provided, single submitter. Criteria: Ambry Variant Classification Scheme 2023. Collection method: clinical testing. Allele origin: germline.
Comment: The p.A247V variant (also known as c.740C>T), located in coding exon 3 of the PHOX2B gene, results from a C to T substitution at nucleotide position 740. The alanine at codon 247 is replaced by valine, an amino acid with similar properties. This amino acid position is conserved. In addition, this alteration is predicted to be tolerated by in silico analysis. Based on the available evidence, the clinical significance of this variant remains unclear.

NM_003924.4(PHOX2B):c.740C>T (p.Ala247Val)

Genes: PHOX2B (paired like homeobox 2B; minus strand), LOC110011216 (paired like homeobox 2b polyalanine repeat instability region; plus strand). Cytogenetic location: 4p13.
Variant type: single nucleotide variant.
Coding change: c.740C>T on transcript NM_003924.4 (MANE Select); coding-DNA position 740, C replaced by T.
Protein change: p.Ala247Val; replaces alanine 247 with valine.
Molecular consequence: missense variant.
Genome position (GRCh38, 1-based): chr4:41,746,012, G>A on the plus strand (C>T on the coding strand, the complement: PHOX2B is on the minus strand). VCF-style: chr4-41746012-G-A. GRCh37 (hg19) VCF-style: chr4-41748029-G-A.
Other names: short protein forms A247V.
Identifiers: ClinVar variation 3417948 (VCV003417948.1).